The following is an entry in ClinVar:

ClinVar aggregate classification (germline): Likely pathogenic (1 of 4 stars; one submission).

Conditions:
Citrullinemia type I (CTNL1). Also called: ASS DEFICIENCY; argininosuccinate synthetase deficiency. Identifiers: Orphanet 247525, MedGen C4721769, MONDO:0008988, OMIM 215700.

Submission:

Myriad Genetics, Inc.
Classification: Likely pathogenic for Citrullinemia type I. Last evaluated: 2022-01-23. Review status: criteria provided, single submitter. Criteria: Myriad Women's Health Autosomal Recessive and X-Linked Classification Criteria (2021). Collection method: clinical testing. Allele origin: unknown.
Comment: NM_000050.4(ASS1):c.620_622delACAinsCT(Y207Sfs*27) is expected to be pathogenic in the context of citrullinemia type 1. This variant is predicted to lead to an abnormal or absent protein product due to the creation of a premature termination codon in ASS1, a gene where loss-of-function variants are known to be pathogenic. Please note: this variant was assessed in the context of healthy population screening.

NM_054012.4(ASS1):c.620_622delinsCT (p.Tyr207fs)

Gene: ASS1 (argininosuccinate synthase 1; plus strand). Cytogenetic location: 9q34.11.
Variant type: Indel.
Coding change: c.620_622delinsCT on transcript NM_054012.4 (MANE Select); coding-DNA positions 620 to 622, ACA replaced by CT.
Protein change: p.Tyr207fs; shifts the reading frame from tyrosine 207.
Molecular consequence: frameshift variant.
Genome position (GRCh38, 1-based): chr9:130,476,893-130,476,895, ACA replaced by CT. VCF-style: chr9-130476893-ACA-CT. GRCh37 (hg19) VCF-style: chr9-133352280-ACA-CT.
Other names: c.620_622delinsCT, p.Tyr207fs (NM_000050.4); short protein forms Y207fs.
Identifiers: ClinVar variation 1723996 (VCV001723996.2), dbSNP rs2490581929, ClinGen allele CA2580079809.
Genomic context (GRCh38, chr9:130,476,893, plus strand): 5'-GGTATGTCATCTGCCCACCACTTTCTGTCTTTTTTCAGAACCAAGCGCCTCCAGGTCTCT[ACA>CT]CGAAGACCCAGGACCCAGCCAAAGCCCCCAACACCCCTGACATTCTCGAGATCGAGTTCA-3'